The following is an entry in ClinVar:

ClinVar aggregate classification (somatic clinical impact): Tier II - Potential (1 of 4 stars; one submission).

Conditions:
Diffuse glioma, H3 G34 mutant. Identifiers: MedGen CN377580, MONDO:0957197.

Submission:

Institute for Genomic Medicine (IGM) Clinical Laboratory, Nationwide Children's Hospital
Classification: Tier II - Potential for Diffuse glioma, H3 G34 mutant. Assertion type: diagnostic. Clinical significance: supports diagnosis. Last evaluated: 2024-05-29. Review status: criteria provided, single submitter. Criteria: AMP/ASCO/CAP Guidelines, 2017. Collection method: clinical testing. Allele origin: somatic. Affected: yes.
Comment: Variant has Tier II (potential) clinical significance as a diagnostic inclusion criterion in diffuse glioma, H3 G34 mutant, based on the following evidence: 1) Diagnostic significance based on multiple small studies (Evidence Level C; PMIDs: 24705251, 25230881, 28966033, 29763623, 24705250, 33259802, 35195909).

Literature cited by the submitters: PubMed 24705251; PubMed 25230881; PubMed 28966033; PubMed 29763623; PubMed 24705250; PubMed 33259802; PubMed 35195909.

NM_006206.6(PDGFRA):c.824T>G (p.Leu275Trp)

Gene: PDGFRA (platelet derived growth factor receptor alpha; plus strand). Cytogenetic location: 4q12.
Variant type: single nucleotide variant.
Coding change: c.824T>G on transcript NM_006206.6 (MANE Select); coding-DNA position 824, T replaced by G.
Protein change: p.Leu275Trp; replaces leucine 275 with tryptophan.
Molecular consequence: missense variant.
Genome position (GRCh38, 1-based): chr4:54,267,353, T>G. VCF-style: chr4-54267353-T-G. GRCh37 (hg19) VCF-style: chr4-55133520-T-G.
Other names: c.863T>G, p.Leu288Trp (NM_001347830.2); c.824T>G, p.Leu275Trp (NM_001347827.2, NM_001347829.2); c.899T>G, p.Leu300Trp (NM_001347828.2); short protein forms L275W, L288W, L300W.
Identifiers: ClinVar variation 4530345 (VCV004530345.1).